The following is an entry in ClinVar:

ClinVar aggregate classification (germline): Uncertain significance. Review status: criteria provided, multiple submitters, no conflicts (2 of 4 stars). 5 submissions from 5 submitters: Uncertain significance (5). Last evaluated 2026-04-09.

Conditions:
NPHP4-related disorder. Also called: NPHP4-related condition; NPHP4-related disorders. Identifiers: MedGen CN239384.
Nephronophthisis. Also called: Juvenile Nephronophthisis. Identifiers: Orphanet 655, MedGen C0687120, MONDO:0019005, HP:0000090.
Senior-Loken syndrome 4 (SLSN4). Identifiers: Orphanet 3156, MedGen C1846979, MONDO:0011756, OMIM 606996.
Nephronophthisis 4 (NPHP4). Also called: NEPHRONOPHTHISIS 4, JUVENILE. Identifiers: Orphanet 655, MedGen C1847013, MONDO:0011752, OMIM 606966.

Allele frequency attached by ClinVar (database versions not stated): ExAC 0.00004; gnomAD exomes 0.00004; gnomAD 0.00014 and 0.00016; 1000 Genomes Project 30x 0.00016; 1000 Genomes Project 0.00020; TOPMed 0.00034.
gnomAD v4.1: 50 of 1,595,036 alleles (0.0031%); highest among the groups gnomAD compares: African/African-American, 0.055%; no homozygotes.

Submissions (5):

PreventionGenetics, part of Exact Sciences
Classification: Uncertain significance for NPHP4-related condition. Last evaluated: 2026-04-09. Review status: criteria provided, single submitter. Criteria: ACMG Guidelines, 2015. Collection method: clinical testing. Allele origin: germline.
Comment: The NPHP4 c.2623G>A variant is predicted to result in the amino acid substitution p.Val875Met. To our knowledge, this variant has not been reported in the literature. This variant is reported in 0.059% of alleles in individuals of African descent in gnomAD. At this time, the clinical significance of this variant is uncertain due to the absence of conclusive functional and genetic evidence.

GeneDx
Classification: Uncertain significance. Last evaluated: 2024-05-31. Review status: criteria provided, single submitter. Criteria: GeneDx Variant Classification Process June 2021. Collection method: clinical testing. Allele origin: germline. Affected: yes.
Comment: In silico analysis indicates that this missense variant does not alter protein structure/function; Has not been previously published as pathogenic or benign to our knowledge

Fulgent Genetics
Classification: Uncertain significance for Nephronophthisis 4; Senior-Loken syndrome 4. Last evaluated: 2024-02-06. Review status: criteria provided, single submitter. Criteria: ACMG Guidelines, 2015. Collection method: clinical testing. Allele origin: germline.

Labcorp Genetics (formerly Invitae), Labcorp
Classification: Uncertain significance for Nephronophthisis. Last evaluated: 2022-08-16. Review status: criteria provided, single submitter. Criteria: Invitae Variant Classification Sherloc (09022015). Collection method: clinical testing. Allele origin: germline.
Comment: This sequence change replaces valine, which is neutral and non-polar, with methionine, which is neutral and non-polar, at codon 875 of the NPHP4 protein (p.Val875Met). This variant is present in population databases (rs571204647, gnomAD 0.06%). This variant has not been reported in the literature in individuals affected with NPHP4-related conditions. ClinVar contains an entry for this variant (Variation ID: 502039). Algorithms developed to predict the effect of missense changes on protein structure and function are either unavailable or do not agree on the potential impact of this missense change (SIFT: "Deleterious"; PolyPhen-2: "Possibly Damaging"; Align-GVGD: "Class C0"). In summary, the available evidence is currently insufficient to determine the role of this variant in disease. Therefore, it has been classified as a Variant of Uncertain Significance.

Eurofins Ntd Llc (ga)
Classification: Uncertain significance. Last evaluated: 2017-05-18. Review status: criteria provided, single submitter. Criteria: EGL Classification Definitions 2015. Collection method: clinical testing. Allele origin: germline. Observed: 1 variant allele, 1 heterozygote.

NM_015102.5(NPHP4):c.2623G>A (p.Val875Met)

Gene: NPHP4 (nephrocystin 4; minus strand). Cytogenetic location: 1p36.31.
Variant type: single nucleotide variant.
Coding change: c.2623G>A on transcript NM_015102.5 (MANE Select); coding-DNA position 2623, G replaced by A.
Protein change: p.Val875Met; replaces valine 875 with methionine.
Molecular consequence: missense variant. On other transcripts: non-coding transcript variant (1).
Genome position (GRCh38, 1-based): chr1:5,877,287, C>T on the plus strand (G>A on the coding strand, the complement: NPHP4 is on the minus strand). VCF-style: chr1-5877287-C-T. GRCh37 (hg19) VCF-style: chr1-5937347-C-T.
Other names: c.1084G>A, p.Val362Met (NM_001291593.2); c.1087G>A, p.Val363Met (NM_001291594.2); c.2623G>A (NM_015102.3); short protein forms V875M, V362M, V363M.
Identifiers: ClinVar variation 502039 (VCV000502039.13), dbSNP rs571204647, ClinGen allele CA553982.